The following is an entry in ClinVar:

ClinVar aggregate classification (germline): Uncertain significance. Review status: criteria provided, multiple submitters, no conflicts (2 of 4 stars). 2 submissions from 2 submitters: Uncertain significance (2). Last evaluated 2026-05-17.

Conditions:
Dilated cardiomyopathy 1W (CMD1W). Identifiers: Orphanet 154, MedGen C1969639, MONDO:0012667, OMIM 611407.
Cardiovascular phenotype. Identifiers: MedGen CN230736.

gnomAD v4.1: 2 of 1,614,226 alleles (0.00012%); highest among the groups gnomAD compares: Admixed American, 0.0033%; no homozygotes.

Submissions (2):

Ambry Genetics
Classification: Uncertain significance for Cardiovascular phenotype. Last evaluated: 2026-05-17. Review status: criteria provided, single submitter. Criteria: Ambry Variant Classification Scheme 2023. Collection method: clinical testing. Allele origin: germline.
Comment: The p.C737Y variant (also known as c.2210G>A), located in coding exon 16 of the VCL gene, results from a G to A substitution at nucleotide position 2210. The cysteine at codon 737 is replaced by tyrosine, an amino acid with highly dissimilar properties. This amino acid position is conserved. In addition, this alteration is predicted to be deleterious by in silico analysis. Based on the available evidence, the clinical significance of this variant remains unclear.

Labcorp Genetics (formerly Invitae), Labcorp
Classification: Uncertain significance for Dilated cardiomyopathy 1W. Last evaluated: 2025-03-05. Review status: criteria provided, single submitter. Criteria: Invitae Variant Classification Sherloc (09022015). Collection method: clinical testing. Allele origin: germline.
Comment: This sequence change replaces cysteine, which is neutral and slightly polar, with tyrosine, which is neutral and polar, at codon 737 of the VCL protein (p.Cys737Tyr). This variant is not present in population databases (gnomAD no frequency). This variant has not been reported in the literature in individuals affected with VCL-related conditions. An algorithm developed to predict the effect of missense changes on protein structure and function (PolyPhen-2) suggests that this variant is likely to be disruptive. In summary, the available evidence is currently insufficient to determine the role of this variant in disease. Therefore, it has been classified as a Variant of Uncertain Significance.

NM_014000.3(VCL):c.2210G>A (p.Cys737Tyr)

Gene: VCL (vinculin; plus strand). Cytogenetic location: 10q22.2.
Variant type: single nucleotide variant.
Coding change: c.2210G>A on transcript NM_014000.3 (MANE Select); coding-DNA position 2210, G replaced by A.
Protein change: p.Cys737Tyr; replaces cysteine 737 with tyrosine.
Molecular consequence: missense variant.
Genome position (GRCh38, 1-based): chr10:74,105,129, G>A. VCF-style: chr10-74105129-G-A. GRCh37 (hg19) VCF-style: chr10-75864887-G-A.
Other names: c.2210G>A, p.Cys737Tyr (NM_003373.4); short protein forms C737Y.
Identifiers: ClinVar variation 4797604 (VCV004797604.2).
Genomic context (GRCh38, chr10:74,105,129, plus strand): 5'-TTGATACCAAATCTCTGTTGGATGCTTCAGAAGAAGCAATTAAAAAAGACCTGGACAAGT[G>A]CAAGGTAGCTATGGCCAACATTCAGCCTCAGATGCTGGTTGCTGGGGCAACCAGTATTGC-3'
Protein context (NP_054706.1, residues 727-747): EEAIKKDLDK[Cys737Tyr]KVAMANIQPQ